The following is an entry in ClinVar:

ClinVar aggregate classification (germline): Benign (1 of 4 stars; one submission).

Allele frequency attached by ClinVar (database versions not stated): TOPMed 0.50761; 1000 Genomes Project 30x 0.57386; gnomAD 0.51009; gnomAD exomes 0.55932; 1000 Genomes Project 0.57967.

Submission:

GeneDx
Classification: Benign. Last evaluated: 2018-06-19. Review status: criteria provided, single submitter. Criteria: GeneDx Variant Classification (06012015). Collection method: clinical testing. Allele origin: germline. Affected: yes.
Comment: This variant is considered likely benign or benign based on one or more of the following criteria: it is a conservative change, it occurs at a poorly conserved position in the protein, it is predicted to be benign by multiple in silico algorithms, and/or has population frequency not consistent with disease.

NM_013334.3(GMPPB):c.-454G>A

Genes: GMPPB (GDP-mannose pyrophosphorylase B; minus strand), LOC129936765 (ATAC-STARR-seq lymphoblastoid silent region 14372; plus strand). Cytogenetic location: 3p21.31.
Variant type: single nucleotide variant.
Coding change: c.-454G>A on transcript NM_013334.3; 454 bases upstream of the start codon, G replaced by A.
Genome position (GRCh38, 1-based): chr3:49,724,180, C>T on the plus strand (G>A on the coding strand, the complement: GMPPB is on the minus strand). VCF-style: chr3-49724180-C-T. GRCh37 (hg19) VCF-style: chr3-49761613-C-T.
Identifiers: ClinVar variation 668901 (VCV000668901.3), dbSNP rs3811695, ClinGen allele CA11360438.
Genomic context (GRCh38, chr3:49,724,180, plus strand): 5'-GGTCAGCTGGCCATTGGCGGATCCAAAGGCGGAACTGGCGCCAAGGGCGAGGCCTTGTTC[C>T]CTGCTTCGCCGCGGTCCAGCAGCCGCCGGCCCCGCCCCACGGCCCCGGCCTCGCCCCGAG-3'